The following is an entry in ClinVar:

NM_001365276.2(TNXB):c.8454C>G (p.Thr2818=)

Gene: TNXB (tenascin XB; minus strand). Cytogenetic location: 6p21.33.
Variant type: single nucleotide variant.
Coding change: c.8454C>G on transcript NM_001365276.2 (MANE Select); coding-DNA position 8454, C replaced by G.
Protein change: p.Thr2818=; no amino-acid change (threonine 2818 retained).
Molecular consequence: synonymous variant.
Genome position (GRCh38, 1-based): chr6:32,055,864, G>C on the plus strand (C>G on the coding strand, the complement: TNXB is on the minus strand). VCF-style: chr6-32055864-G-C. GRCh37 (hg19) VCF-style: chr6-32023641-G-C.
Other names: p.Thr2818=; c.9195C>G, p.Thr3065= (NM_001428335.1); c.8454C>G, p.Thr2818= (NM_019105.8).
Identifiers: ClinVar variation 4684956 (VCV004684956.1).
Genomic context (GRCh38, chr6:32,055,864, plus strand): 5'-GAAAGCAACATCTTCTAGGGCCATCTTCCTCACTCACAAACACTCACCTGTCACACCCAC[G>C]GTGGACACCGGGCCCACACGCCGCCCCTCGTGGAGGCCGTACAGGTGCATCTTGTATTTG-3'
Protein context (NP_001352205.1, residues 2808-2828): HEGRRVGPVS[Thr2818=]VGVTAPEDEA

ClinVar aggregate classification (germline): Likely benign (1 of 4 stars; one submission).

gnomAD v4.1: 15 of 1,611,552 alleles (0.00093%); highest among the groups gnomAD compares: African/African-American, 0.0067%; no homozygotes.

Submission:

Mayo Clinic Laboratories, Mayo Clinic
Classification: Likely benign. Last evaluated: 2025-08-11. Review status: criteria provided, single submitter. Criteria: ACMG Guidelines, 2015. Collection method: clinical testing. Allele origin: germline. Observed: 1 variant allele.
Comment: BP4, BP7, PM2_supporting